The following is an entry in ClinVar:

NM_005359.6(SMAD4):c.1101C>A (p.Leu367=)

Gene: SMAD4 (SMAD family member 4; plus strand). Cytogenetic location: 18q21.2.
Variant type: single nucleotide variant.
Coding change: c.1101C>A on transcript NM_005359.6 (MANE Select); coding-DNA position 1101, C replaced by A.
Protein change: p.Leu367=; no amino-acid change (leucine 367 retained).
Molecular consequence: synonymous variant.
Genome position (GRCh38, 1-based): chr18:51,065,568, C>A. VCF-style: chr18-51065568-C-A. GRCh37 (hg19) VCF-style: chr18-48591938-C-A.
Identifiers: ClinVar variation 926815 (VCV000926815.19), dbSNP rs765051479, ClinGen allele CA8965979.
Genomic context (GRCh38, chr18:51,065,568, plus strand): 5'-TGTTACTGTTGATGGATACGTGGACCCTTCTGGAGGAGATCGCTTTTGTTTGGGTCAACT[C>A]TCCAATGTCCACAGGACAGAAGCCATTGAGAGAGCAAGGTATTGATTGTATAGTCAGATA-3'
Protein context (NP_005350.1, residues 357-377): SGGDRFCLGQ[Leu367=]SNVHRTEAIE

ClinVar aggregate classification (germline): Benign/Likely benign. Review status: criteria provided, multiple submitters, no conflicts (2 of 4 stars). 7 submissions from 7 submitters: Benign (1); Likely benign (5). 1 of the submissions does not count toward it. Last evaluated 2025-10-11.

Conditions:
Familial thoracic aortic aneurysm and aortic dissection (TAAD). Also called: Thoracic aortic aneurysms and dissections. Identifiers: Orphanet 91387, MedGen C4707243, MONDO:0019625.
Hereditary cancer-predisposing syndrome. Also called: Neoplastic Syndromes, Hereditary; Hereditary neoplastic syndrome; Tumor predisposition; Hereditary Cancer Syndrome. Identifiers: Orphanet 140162, MedGen C0027672, MeSH D009386, MONDO:0015356.
Juvenile polyposis syndrome (JPS). Identifiers: Orphanet 2929, MedGen C0345893, MONDO:0017380, OMIM 174900.
SMAD4-related disorder. Also called: SMAD4-related condition; SMAD4-Related disorders.
Juvenile polyposis/hereditary hemorrhagic telangiectasia syndrome (JPHT). Also called: POLYPOSIS, GENERALIZED JUVENILE, WITH PULMONARY ARTERIOVENOUS MALFORMATION; TELANGIECTASIA, HEREDITARY HEMORRHAGIC, WITH JUVENILE POLYPOSIS COLI; Juvenile Polyposis Syndrome / Hereditary Hemorrhagic Telangiectasia (JPS/HHT); JP/HHT SYNDROME; JUVENILE POLYPOSIS WITH HEREDITARY HEMORRHAGIC TELANGIECTASIA. Identifiers: Orphanet 2929, MedGen C1832942, MONDO:0008278, OMIM 175050.

Allele frequency attached by ClinVar (database versions not stated): TOPMed below 0.00001.
gnomAD v4.1: 4 of 1,614,194 alleles (0.00025%); highest among the groups gnomAD compares: Non-Finnish European, 0.00034%; no homozygotes.

Submissions (7):

Labcorp Genetics (formerly Invitae), Labcorp
Classification: Likely benign for Juvenile polyposis syndrome. Last evaluated: 2025-10-11. Review status: criteria provided, single submitter. Criteria: Invitae Variant Classification Sherloc (09022015). Collection method: clinical testing. Allele origin: germline.

Myriad Genetics, Inc.
Classification: Benign for Juvenile polyposis/hereditary hemorrhagic telangiectasia syndrome. Last evaluated: 2025-03-21. Review status: criteria provided, single submitter. Criteria: Myriad Autosomal Dominant, Autosomal Recessive and X-Linked Classification Criteria (2023). Collection method: clinical testing. Allele origin: unknown.
Comment: This variant is considered benign. This variant is a silent/synonymous amino acid change and it is not expected to impact splicing.

Center for Genomic Medicine, Rigshospitalet, Copenhagen University Hospital
Classification: Likely benign. Last evaluated: 2025-03-04. Review status: criteria provided, single submitter. Criteria: ACMG Guidelines, 2015. Collection method: clinical testing. Allele origin: germline.

All of Us Research Program, National Institutes of Health
Classification: Likely benign for Juvenile polyposis/hereditary hemorrhagic telangiectasia syndrome. Last evaluated: 2023-05-16. Review status: criteria provided, single submitter. Criteria: ACMG Guidelines, 2015. Collection method: clinical testing. Allele origin: germline. Inheritance: Autosomal dominant inheritance. Observed: 1 variant allele, 1 heterozygote.
Comment: This study involves interpretation of variants in research participants for the purpose of population health screening. Participant phenotype was not available at the time of variant classification. Additional details can be found in publication PMID: 35346344, PMCID: PMC8962531

Ambry Genetics
Classification: Likely benign for Hereditary cancer-predisposing syndrome; Familial thoracic aortic aneurysm and aortic dissection. Last evaluated: 2020-10-30. Review status: criteria provided, single submitter. Criteria: Ambry Variant Classification Scheme 2023. Collection method: clinical testing. Allele origin: germline.

Color Diagnostics, LLC DBA Color Health
Classification: Likely benign for Hereditary cancer-predisposing syndrome. Last evaluated: 2020-02-09. Review status: criteria provided, single submitter. Criteria: ACMG Guidelines, 2015. Collection method: clinical testing. Allele origin: germline.

PreventionGenetics, part of Exact Sciences
Classification: Likely benign for SMAD4-related condition. Last evaluated: 2022-04-15. Review status: no assertion criteria provided. Collection method: clinical testing. Allele origin: germline. Not counted in ClinVar's aggregate classification.
Comment: This variant is classified as likely benign based on ACMG/AMP sequence variant interpretation guidelines (Richards et al. 2015 PMID: 25741868, with internal and published modifications).